The following is an entry in ClinVar:

NM_020822.3(KCNT1):c.2746A>G (p.Ser916Gly)

Gene: KCNT1 (potassium sodium-activated channel subfamily T member 1; plus strand). Cytogenetic location: 9q34.3.
Variant type: single nucleotide variant.
Coding change: c.2746A>G on transcript NM_020822.3 (MANE Select); coding-DNA position 2746, A replaced by G.
Protein change: p.Ser916Gly; replaces serine 916 with glycine.
Molecular consequence: missense variant.
Genome position (GRCh38, 1-based): chr9:135,779,375, A>G. VCF-style: chr9-135779375-A-G. GRCh37 (hg19) VCF-style: chr9-138671221-A-G.
Other names: c.2611A>G, p.Ser871Gly (NM_001272003.2); short protein forms S871G, S916G.
Identifiers: ClinVar variation 2946596 (VCV002946596.3), dbSNP rs2491045783, ClinGen allele CA375515426.
Genomic context (GRCh38, chr9:135,779,375, plus strand): 5'-TACAACCACCATGGGCCCCGCCCTGAGCCGCCTGCCTCCCCCAGGCTCTTCCCCAGCCTC[A>G]GCATCACCACGGAGCTCACCCACCCTTCCAACATGCGCTTCATGCAGTTCCGCGCCAAGG-3'
Protein context (NP_065873.2, residues 906-926): QTMFRLFPSL[Ser916Gly]ITTELTHPSN

ClinVar aggregate classification (germline): Uncertain significance (1 of 4 stars; one submission).

Conditions:
Autosomal dominant nocturnal frontal lobe epilepsy 5. Also called: Epilepsy, nocturnal frontal lobe, 5; CILIARY DYSKINESIA, PRIMARY, 28, WITHOUT SITUS INVERSUS; CILIARY DYSKINESIA, PRIMARY, 28, WITH SITUS INVERSUS; KCNT1-Related Epilepsy. Identifiers: Orphanet 98784, MedGen C3554306, MONDO:0014002, OMIM 615005.
Developmental and epileptic encephalopathy, 14 (DEE14). Also called: Early infantile epileptic encephalopathy 14. Identifiers: Orphanet 293181, MedGen C3554195, MONDO:0013989, OMIM 614959.

Allele frequency attached by ClinVar (database versions not stated): gnomAD exomes below 0.00001.
gnomAD v4.1: 1 of 1,613,224 alleles (0.000062%); highest among the groups gnomAD compares: Non-Finnish European, 0.000085%; no homozygotes.

Submission:

Labcorp Genetics (formerly Invitae), Labcorp
Classification: Uncertain significance for Autosomal dominant nocturnal frontal lobe epilepsy 5; Developmental and epileptic encephalopathy, 14. Last evaluated: 2023-05-25. Review status: criteria provided, single submitter. Criteria: Invitae Variant Classification Sherloc (09022015). Collection method: clinical testing. Allele origin: germline.
Comment: This sequence change replaces serine, which is neutral and polar, with glycine, which is neutral and non-polar, at codon 916 of the KCNT1 protein (p.Ser916Gly). This variant is not present in population databases (gnomAD no frequency). This variant has not been reported in the literature in individuals affected with KCNT1-related conditions. Advanced modeling of protein sequence and biophysical properties (such as structural, functional, and spatial information, amino acid conservation, physicochemical variation, residue mobility, and thermodynamic stability) performed at Invitae indicates that this missense variant is not expected to disrupt KCNT1 protein function. In summary, the available evidence is currently insufficient to determine the role of this variant in disease. Therefore, it has been classified as a Variant of Uncertain Significance.